The following is an entry in ClinVar:

NM_031483.7(ITCH):c.1335G>A (p.Met445Ile)

Gene: ITCH (itchy E3 ubiquitin protein ligase; plus strand). Cytogenetic location: 20q11.22.
Variant type: single nucleotide variant.
Coding change: c.1335G>A on transcript NM_031483.7 (MANE Select); coding-DNA position 1335, G replaced by A.
Protein change: p.Met445Ile; replaces methionine 445 with isoleucine.
Molecular consequence: missense variant.
Genome position (GRCh38, 1-based): chr20:34,462,132, G>A. VCF-style: chr20-34462132-G-A. GRCh37 (hg19) VCF-style: chr20-33049937-G-A.
Other names: c.1458G>A, p.Met486Ile (NM_001257137.3, NM_001324197.2); c.1005G>A, p.Met335Ile (NM_001257138.3); c.1335G>A, p.Met445Ile (NM_001324198.2); short protein forms M335I, M486I, M445I.
Identifiers: ClinVar variation 1445192 (VCV001445192.4), dbSNP rs2146375433, ClinGen allele CA408666401.

ClinVar aggregate classification (germline): Uncertain significance (1 of 4 stars; one submission).

Conditions:
Syndromic multisystem autoimmune disease due to ITCH deficiency. Also called: AUTOIMMUNE DISEASE, MULTISYSTEM, WITH FACIAL DYSMORPHISM. Identifiers: Orphanet 228426, MedGen C3150649, MONDO:0013245, OMIM 613385.

Allele frequency attached by ClinVar (database versions not stated): gnomAD exomes below 0.00001.
gnomAD v4.1: 1 of 1,613,734 alleles (0.000062%); highest among the groups gnomAD compares: Non-Finnish European, 0.000085%; no homozygotes.

Submission:

Labcorp Genetics (formerly Invitae), Labcorp
Classification: Uncertain significance for Syndromic multisystem autoimmune disease due to ITCH deficiency. Last evaluated: 2021-03-03. Review status: criteria provided, single submitter. Criteria: Invitae Variant Classification Sherloc (09022015). Collection method: clinical testing. Allele origin: germline.
Comment: In summary, the available evidence is currently insufficient to determine the role of this variant in disease. Therefore, it has been classified as a Variant of Uncertain Significance. Algorithms developed to predict the effect of missense changes on protein structure and function are either unavailable or do not agree on the potential impact of this missense change (SIFT: "Not Available"; PolyPhen-2: "Probably Damaging"; Align-GVGD: "Not Available"). This variant has not been reported in the literature in individuals with ITCH-related conditions. This variant is not present in population databases (ExAC no frequency). This sequence change replaces methionine with isoleucine at codon 445 of the ITCH protein (p.Met445Ile). The methionine residue is highly conserved and there is a small physicochemical difference between methionine and isoleucine.